The following is an entry in ClinVar:

NM_002473.6(MYH9):c.5775C>A (p.Asp1925Glu)

Gene: MYH9 (myosin heavy chain 9; minus strand). Cytogenetic location: 22q12.3.
Variant type: single nucleotide variant.
Coding change: c.5775C>A on transcript NM_002473.6 (MANE Select); coding-DNA position 5775, C replaced by A.
Protein change: p.Asp1925Glu; replaces aspartic acid 1925 with glutamic acid.
Molecular consequence: missense variant.
Genome position (GRCh38, 1-based): chr22:36,282,776, G>T on the plus strand (C>A on the coding strand, the complement: MYH9 is on the minus strand). VCF-style: chr22-36282776-G-T. GRCh37 (hg19) VCF-style: chr22-36678822-G-T.
Other names: short protein forms D1925E.
Identifiers: ClinVar variation 3344607 (VCV003344607.3).

ClinVar aggregate classification (germline): Uncertain significance. Review status: criteria provided, single submitter (1 of 4 stars). 2 submissions from 2 submitters: Uncertain significance (1). 1 of the submissions does not count toward it. Last evaluated 2024-10-13.

Conditions:
MYH9-related disorder. Identifiers: MedGen C1854520.

Submissions (2):

Labcorp Genetics (formerly Invitae), Labcorp
Classification: Uncertain significance. Last evaluated: 2024-10-13. Review status: criteria provided, single submitter. Criteria: Invitae Variant Classification Sherloc (09022015). Collection method: clinical testing. Allele origin: germline.
Comment: This sequence change replaces aspartic acid, which is acidic and polar, with glutamic acid, which is acidic and polar, at codon 1925 of the MYH9 protein (p.Asp1925Glu). This variant is not present in population databases (gnomAD no frequency). This variant has not been reported in the literature in individuals affected with MYH9-related conditions. Invitae Evidence Modeling of protein sequence and biophysical properties (such as structural, functional, and spatial information, amino acid conservation, physicochemical variation, residue mobility, and thermodynamic stability) indicates that this missense variant is not expected to disrupt MYH9 protein function with a negative predictive value of 95%. In summary, the available evidence is currently insufficient to determine the role of this variant in disease. Therefore, it has been classified as a Variant of Uncertain Significance.

PreventionGenetics, part of Exact Sciences
Classification: Uncertain significance for MYH9-related condition. Last evaluated: 2024-09-17. Review status: no assertion criteria provided. Collection method: clinical testing. Allele origin: germline. Not counted in ClinVar's aggregate classification.
Comment: The MYH9 c.5775C>A variant is predicted to result in the amino acid substitution p.Asp1925Glu. To our knowledge, this variant has not been reported in the literature or in gnomAD, indicating this variant is rare. At this time, the clinical significance of this variant is uncertain due to the absence of conclusive functional and genetic evidence.